The following is an entry in ClinVar:

ClinVar aggregate classification (germline): Uncertain significance. Review status: criteria provided, multiple submitters, no conflicts (2 of 4 stars). 2 submissions from 2 submitters: Uncertain significance (2). Last evaluated 2025-08-20.

Conditions:
Cardiovascular phenotype. Identifiers: MedGen CN230736.
Dilated cardiomyopathy 1J (CMD1J). Also called: CARDIOMYOPATHY, DILATED, WITH SENSORINEURAL HEARING LOSS, AUTOSOMAL DOMINANT. Identifiers: Orphanet 217622, MedGen C1854368, MONDO:0011541, OMIM 605362.

Allele frequency attached by ClinVar (database versions not stated): gnomAD exomes 0.00001.
gnomAD v4.1: 8 of 1,613,878 alleles (0.0005%); highest among the groups gnomAD compares: Non-Finnish European, 0.00068%; no homozygotes.

Submissions (2):

Labcorp Genetics (formerly Invitae), Labcorp
Classification: Uncertain significance for Dilated cardiomyopathy 1J. Last evaluated: 2025-08-20. Review status: criteria provided, single submitter. Criteria: Invitae Variant Classification Sherloc (09022015). Collection method: clinical testing. Allele origin: germline.
Comment: This sequence change replaces cysteine, which is neutral and slightly polar, with tyrosine, which is neutral and polar, at codon 344 of the EYA4 protein (p.Cys344Tyr). This variant is not present in population databases (gnomAD no frequency). This variant has not been reported in the literature in individuals affected with EYA4-related conditions. ClinVar contains an entry for this variant (Variation ID: 1443685). Invitae Evidence Modeling of protein sequence and biophysical properties (such as structural, functional, and spatial information, amino acid conservation, physicochemical variation, residue mobility, and thermodynamic stability) indicates that this missense variant is not expected to disrupt EYA4 protein function with a negative predictive value of 80%. In summary, the available evidence is currently insufficient to determine the role of this variant in disease. Therefore, it has been classified as a Variant of Uncertain Significance.

Ambry Genetics
Classification: Uncertain significance for Cardiovascular phenotype. Last evaluated: 2025-04-14. Review status: criteria provided, single submitter. Criteria: Ambry Variant Classification Scheme 2023. Collection method: clinical testing. Allele origin: germline.
Comment: The p.C344Y variant (also known as c.1031G>A), located in coding exon 11 of the EYA4 gene, results from a G to A substitution at nucleotide position 1031. The cysteine at codon 344 is replaced by tyrosine, an amino acid with highly dissimilar properties. This amino acid position is conserved. In addition, this alteration is predicted to be deleterious by in silico analysis. Based on the available evidence, the clinical significance of this variant remains unclear.

NM_004100.5(EYA4):c.1031G>A (p.Cys344Tyr)

Gene: EYA4 (EYA transcriptional coactivator and phosphatase 4; plus strand). Cytogenetic location: 6q23.2.
Variant type: single nucleotide variant.
Coding change: c.1031G>A on transcript NM_004100.5 (MANE Select); coding-DNA position 1031, G replaced by A.
Protein change: p.Cys344Tyr; replaces cysteine 344 with tyrosine.
Molecular consequence: missense variant.
Genome position (GRCh38, 1-based): chr6:133,481,523, G>A. VCF-style: chr6-133481523-G-A. GRCh37 (hg19) VCF-style: chr6-133802661-G-A.
Other names: c.869G>A, p.Cys290Tyr (NM_001301012.2); c.1049G>A, p.Cys350Tyr (NM_001301013.2); c.962G>A, p.Cys321Tyr (NM_001370458.1, NM_172103.4); c.887G>A, p.Cys296Tyr (NM_001370459.1); c.1031G>A, p.Cys344Tyr (NM_172105.4); c.1031G>A (NM_004100.4); short protein forms C296Y, C350Y, C290Y, C321Y, C344Y.
Identifiers: ClinVar variation 1443685 (VCV001443685.7), dbSNP rs2128707567, ClinGen allele CA365706426.